The following is an entry in ClinVar:

NM_024675.4(PALB2):c.544del (p.Ile182fs)

Gene: PALB2 (partner and localizer of BRCA2; minus strand). Cytogenetic location: 16p12.2.
Variant type: Deletion.
Coding change: c.544del on transcript NM_024675.4 (MANE Select); coding-DNA position 544, one base deleted (A; older notation c.544delA).
Protein change: p.Ile182fs; shifts the reading frame from isoleucine 182.
Molecular consequence: frameshift variant.
Genome position (GRCh38, 1-based): chr16:23,636,002, T deleted on the plus strand (A on the coding strand, the reverse complement: PALB2 is on the minus strand); the first of 3 consecutive T bases (chr16:23,636,002-23,636,004); deleting any one gives the same sequence. VCF-style (leftmost placement, unchanged base first): chr16-23636001-AT-A. GRCh37 (hg19) VCF-style: chr16-23647322-AT-A.
Other names: c.544delA (NM_024675.3); short protein forms I182fs.
Identifiers: ClinVar variation 265546 (VCV000265546.14), dbSNP rs886039614, ClinGen allele CA10588613.

ClinVar aggregate classification (germline): Pathogenic. Review status: criteria provided, multiple submitters, no conflicts (2 of 4 stars). 3 submissions from 3 submitters: Pathogenic (3). Last evaluated 2024-11-05.

Conditions:
Familial cancer of breast. Also called: hereditary breast carcinoma; BREAST CANCER, FAMILIAL; Hereditary breast cancer. Identifiers: Orphanet 227535, MedGen C0346153, MONDO:0016419, OMIM 114480. Disease mechanism: loss of function.
Hereditary cancer-predisposing syndrome. Also called: Neoplastic Syndromes, Hereditary; Hereditary neoplastic syndrome; Hereditary Cancer Syndrome; Tumor predisposition. Identifiers: Orphanet 140162, MedGen C0027672, MeSH D009386, MONDO:0015356.

Submissions (3):

Labcorp Genetics (formerly Invitae), Labcorp
Classification: Pathogenic for Familial cancer of breast. Last evaluated: 2024-11-05. Review status: criteria provided, single submitter. Criteria: Invitae Variant Classification Sherloc (09022015). Collection method: clinical testing. Allele origin: germline.
Comment: This sequence change creates a premature translational stop signal (p.Ile182Serfs*11) in the PALB2 gene. It is expected to result in an absent or disrupted protein product. Loss-of-function variants in PALB2 are known to be pathogenic (PMID: 17200668, 17200671, 17200672, 24136930, 25099575). This variant is not present in population databases (gnomAD no frequency). This variant has not been reported in the literature in individuals affected with PALB2-related conditions. ClinVar contains an entry for this variant (Variation ID: 265546). For these reasons, this variant has been classified as Pathogenic.

GeneDx
Classification: Pathogenic. Last evaluated: 2019-07-02. Review status: criteria provided, single submitter. Criteria: GeneDx Variant Classification Process June 2021. Collection method: clinical testing. Allele origin: germline. Affected: yes.
Comment: Frameshift variant predicted to result in protein truncation or nonsense mediated decay in a gene for which loss-of-function is a known mechanism of disease; Not observed in large population cohorts (Lek 2016); Has not been previously published as pathogenic or benign to our knowledge

Ambry Genetics
Classification: Pathogenic for Hereditary cancer-predisposing syndrome. Last evaluated: 2016-02-04. Review status: criteria provided, single submitter. Criteria: Ambry Variant Classification Scheme 2023. Collection method: clinical testing. Allele origin: germline.
Comment: The c.544delA pathogenic mutation, located in coding exon 4 of the PALB2 gene, results from a deletion of one nucleotide at nucleotide position 544, causing a translational frameshift with a predicted alternate stop codon. Since frameshifts are typically deleterious in nature, this alteration is interpreted as a disease-causing mutation (ACMG Recommendations for Standards for Interpretation and Reporting of Sequence Variations. Revision 2007. Genet Med. 2008;10:294).

Literature cited by the submitters: PubMed 17200668 (cited by Labcorp Genetics (formerly Invitae), Labcorp); PubMed 17200671 (cited by Labcorp Genetics (formerly Invitae), Labcorp); PubMed 17200672 (cited by Labcorp Genetics (formerly Invitae), Labcorp); PubMed 24136930 (cited by Labcorp Genetics (formerly Invitae), Labcorp); PubMed 25099575 (cited by Labcorp Genetics (formerly Invitae), Labcorp).